The following is an entry in ClinVar:

ClinVar aggregate classification (germline): Pathogenic (1 of 4 stars; one submission).

Submission:

Labcorp Genetics (formerly Invitae), Labcorp
Classification: Pathogenic. Last evaluated: 2024-06-04. Review status: criteria provided, single submitter. Criteria: Invitae Variant Classification Sherloc (09022015). Collection method: clinical testing. Allele origin: germline.
Comment: This sequence change creates a premature translational stop signal (p.Asn95Lysfs*50) in the PEX3 gene. It is expected to result in an absent or disrupted protein product. Loss-of-function variants in PEX3 are known to be pathogenic (PMID: 10942428, 21031596). This variant is not present in population databases (gnomAD no frequency). This variant has not been reported in the literature in individuals affected with PEX3-related conditions. For these reasons, this variant has been classified as Pathogenic.

Literature cited by the submitters: PubMed 10942428; PubMed 21031596.

NM_003630.3(PEX3):c.284dup (p.Asn95fs)

Gene: PEX3 (peroxisomal biogenesis factor 3; plus strand). Cytogenetic location: 6q24.2.
Variant type: Duplication.
Coding change: c.284dup on transcript NM_003630.3 (MANE Select); coding-DNA position 284, one base duplicated (A; older notation c.284dupA).
Protein change: p.Asn95fs; shifts the reading frame from asparagine 95.
Molecular consequence: frameshift variant.
Genome position (GRCh38, 1-based): chr6:143,462,994, A duplicated; the last of 6 consecutive A bases (chr6:143,462,989-143,462,994); duplicating any one gives the same sequence. VCF-style (leftmost placement, unchanged base first): chr6-143462988-T-TA. GRCh37 (hg19) VCF-style: chr6-143784125-T-TA.
Other names: short protein forms N95fs.
Identifiers: ClinVar variation 3655590 (VCV003655590.2).